The following is an entry in ClinVar:

NM_019098.5(CNGB3):c.1607T>C (p.Met536Thr)

Gene: CNGB3 (cyclic nucleotide gated channel subunit beta 3; minus strand). Cytogenetic location: 8q21.3.
Variant type: single nucleotide variant.
Coding change: c.1607T>C on transcript NM_019098.5 (MANE Select); coding-DNA position 1607, T replaced by C.
Protein change: p.Met536Thr; replaces methionine 536 with threonine.
Molecular consequence: missense variant.
Genome position (GRCh38, 1-based): chr8:86,611,643, A>G on the plus strand (T>C on the coding strand, the complement: CNGB3 is on the minus strand). VCF-style: chr8-86611643-A-G. GRCh37 (hg19) VCF-style: chr8-87623871-A-G.
Other names: short protein forms M536T.
Identifiers: ClinVar variation 194420 (VCV000194420.9), dbSNP rs367652647, ClinGen allele CA240360.

ClinVar aggregate classification (germline): Uncertain significance. Review status: criteria provided, multiple submitters, no conflicts (2 of 4 stars). 4 submissions from 4 submitters: Uncertain significance (3). 1 of the submissions does not count toward it. Last evaluated 2024-09-04.

Conditions:
Achromatopsia. Also called: Rod monochromatism. Identifiers: Orphanet 49382, MedGen C0152200, MONDO:0018852, HP:0011516.

Allele frequency attached by ClinVar (database versions not stated): gnomAD exomes 0.00001 and 0.00003; TOPMed 0.00001; ESP Exome Variant Server 0.00008.
gnomAD v4.1: 40 of 1,613,394 alleles (0.0025%); highest among the groups gnomAD compares: Non-Finnish European, 0.0031%; no homozygotes.

Submissions (4):

Blueprint Genetics
Classification: Uncertain significance. Last evaluated: 2024-09-04. Review status: criteria provided, single submitter. Criteria: ACMG Guidelines, 2015. Collection method: clinical testing. Allele origin: germline.

Labcorp Genetics (formerly Invitae), Labcorp
Classification: Uncertain significance. Last evaluated: 2021-11-12. Review status: criteria provided, single submitter. Criteria: Invitae Variant Classification Sherloc (09022015). Collection method: clinical testing. Allele origin: germline.
Comment: This sequence change replaces methionine, which is neutral and non-polar, with threonine, which is neutral and polar, at codon 536 of the CNGB3 protein (p.Met536Thr). This variant is present in population databases (rs367652647, gnomAD 0.002%). This variant has not been reported in the literature in individuals affected with CNGB3-related conditions. ClinVar contains an entry for this variant (Variation ID: 194420). Advanced modeling of protein sequence and biophysical properties (such as structural, functional, and spatial information, amino acid conservation, physicochemical variation, residue mobility, and thermodynamic stability) performed at Invitae indicates that this missense variant is not expected to disrupt CNGB3 protein function. In summary, the available evidence is currently insufficient to determine the role of this variant in disease. Therefore, it has been classified as a Variant of Uncertain Significance.

Eurofins Ntd Llc (ga)
Classification: Uncertain significance. Last evaluated: 2015-04-24. Review status: criteria provided, single submitter. Criteria: EGL Classification Definitions 2015. Collection method: clinical testing. Allele origin: germline. Observed: 1 variant allele, 1 heterozygote.

Natera, Inc.
Classification: Uncertain significance for Achromatopsia. Last evaluated: 2020-04-14. Review status: no assertion criteria provided. Collection method: clinical testing. Allele origin: germline. Not counted in ClinVar's aggregate classification.